The following is an entry in ClinVar:

NM_017841.4(SDHAF2):c.14C>G (p.Thr5Arg)

Gene: SDHAF2 (succinate dehydrogenase complex assembly factor 2; plus strand). Cytogenetic location: 11q12.2.
Variant type: single nucleotide variant.
Coding change: c.14C>G on transcript NM_017841.4 (MANE Select); coding-DNA position 14, C replaced by G.
Protein change: p.Thr5Arg; replaces threonine 5 with arginine.
Molecular consequence: missense variant.
Genome position (GRCh38, 1-based): chr11:61,430,160, C>G. VCF-style: chr11-61430160-C-G. GRCh37 (hg19) VCF-style: chr11-61197632-C-G.
Other names: short protein forms T5R.
Identifiers: ClinVar variation 5029224 (VCV005029224.1).

ClinVar aggregate classification (germline): Uncertain significance (1 of 4 stars; one submission).

Conditions:
Hereditary cancer-predisposing syndrome. Also called: Neoplastic Syndromes, Hereditary; Tumor predisposition; Hereditary neoplastic syndrome; Hereditary Cancer Syndrome. Identifiers: Orphanet 140162, MedGen C0027672, MeSH D009386, MONDO:0015356.

gnomAD v4.1: 1 of 1,614,230 alleles (0.000062%); highest among the groups gnomAD compares: Non-Finnish European, 0.000085%; no homozygotes.

Submission:

Ambry Genetics
Classification: Uncertain significance for Hereditary cancer-predisposing syndrome. Last evaluated: 2026-07-06. Review status: criteria provided, single submitter. Criteria: Ambry Variant Classification Scheme 2023. Collection method: clinical testing. Allele origin: germline.
Comment: The p.T5R variant (also known as c.14C>G), located in coding exon 1 of the SDHAF2 gene, results from a C to G substitution at nucleotide position 14. The threonine at codon 5 is replaced by arginine, an amino acid with similar properties. This amino acid position is conserved. In addition, this alteration is predicted to be tolerated by in silico analysis. Based on the available evidence, the clinical significance of this variant remains unclear.